The following is an entry in ClinVar:

NM_001267550.2(TTN):c.30754+15C>A

Gene: TTN (titin; minus strand). Cytogenetic location: 2q31.2.
Variant type: single nucleotide variant.
Coding change: c.30754+15C>A on transcript NM_001267550.2 (MANE Select); 15 bases into the intron after coding-DNA position 30754, C replaced by A.
Molecular consequence: intron variant.
Genome position (GRCh38, 1-based): chr2:178,698,828, G>T on the plus strand (C>A on the coding strand, the complement: TTN is on the minus strand). VCF-style: chr2-178698828-G-T. GRCh37 (hg19) VCF-style: chr2-179563555-G-T.
Other names: c.13282+39254C>A (NM_003319.4); c.13858+39254C>A (NM_133437.4); c.13657+39254C>A (NM_133432.3); c.27022+15C>A (NM_133378.4); c.29803+15C>A (NM_001256850.1).
Identifiers: ClinVar variation 681186 (VCV000681186.10), dbSNP rs778126116, ClinGen allele CA1999045.

ClinVar aggregate classification (germline): Likely benign. Review status: criteria provided, multiple submitters, no conflicts (2 of 4 stars). 3 submissions from 3 submitters: Likely benign (3). Last evaluated 2025-12-06.

Conditions:
Dilated cardiomyopathy 1G (CMD1G). Identifiers: Orphanet 154, MedGen C1858763, MONDO:0011400, OMIM 604145.
Autosomal recessive limb-girdle muscular dystrophy type 2J (LGMDR10). Also called: Limb-girdle muscular dystrophy, type 2J; MUSCULAR DYSTROPHY, LIMB-GIRDLE, AUTOSOMAL RECESSIVE 10. Identifiers: Orphanet 140922, MedGen C1837342, MONDO:0012127, OMIM 608807.

Allele frequency attached by ClinVar (database versions not stated): ExAC below 0.00001; gnomAD 0.00008 and 0.00010; gnomAD exomes 0.00009 and 0.00014; TOPMed 0.00009.
gnomAD v4.1: 216 of 1,532,894 alleles (0.014%); highest among the groups gnomAD compares: Non-Finnish European, 0.014%; no homozygotes.

Submissions (3):

Labcorp Genetics (formerly Invitae), Labcorp
Classification: Likely benign for Dilated cardiomyopathy 1G; Autosomal recessive limb-girdle muscular dystrophy type 2J. Last evaluated: 2025-12-06. Review status: criteria provided, single submitter. Criteria: Invitae Variant Classification Sherloc (09022015). Collection method: clinical testing. Allele origin: germline.

Blueprint Genetics
Classification: Likely benign. Last evaluated: 2024-07-15. Review status: criteria provided, single submitter. Criteria: ACMG Guidelines, 2015. Collection method: clinical testing. Allele origin: germline.

GeneDx
Classification: Likely benign. Last evaluated: 2018-06-05. Review status: criteria provided, single submitter. Criteria: GeneDx Variant Classification (06012015). Collection method: clinical testing. Allele origin: germline. Affected: yes.
Comment: This variant is considered likely benign or benign based on one or more of the following criteria: it is a conservative change, it occurs at a poorly conserved position in the protein, it is predicted to be benign by multiple in silico algorithms, and/or has population frequency not consistent with disease.